The following is an entry in ClinVar:

ClinVar aggregate classification (germline): Likely benign (1 of 4 stars; one submission).

gnomAD v4.1: 482 of 1,558,018 alleles (0.031%); highest among the groups gnomAD compares: Non-Finnish European, 0.025%; 1 homozygote.

Submission:

CeGaT Center for Human Genetics Tuebingen
Classification: Likely benign. Last evaluated: 2026-04-01. Review status: criteria provided, single submitter. Criteria: CeGaT Center For Human Genetics Tuebingen Variant Classification Criteria Version 2. Collection method: clinical testing. Allele origin: germline. Affected: yes. Observed: 1 variant allele.
Comment: KIF26A: BP4, BP7

NM_015656.2(KIF26A):c.5067C>G (p.Gly1689=)

Gene: KIF26A (kinesin family member 26A; plus strand). Cytogenetic location: 14q32.33.
Variant type: single nucleotide variant.
Coding change: c.5067C>G on transcript NM_015656.2 (MANE Select); coding-DNA position 5067, C replaced by G.
Protein change: p.Gly1689=; no amino-acid change (glycine 1689 retained).
Molecular consequence: synonymous variant.
Genome position (GRCh38, 1-based): chr14:104,177,855, C>G. VCF-style: chr14-104177855-C-G. GRCh37 (hg19) VCF-style: chr14-104644192-C-G.
Identifiers: ClinVar variation 4872472 (VCV004872472.2).